The following is an entry in ClinVar:

ClinVar aggregate classification (germline): Likely benign (1 of 4 stars; one submission).

Allele frequency attached by ClinVar (database versions not stated): gnomAD exomes 0.00005.
gnomAD v4.1: 66 of 1,613,186 alleles (0.0041%); highest among the groups gnomAD compares: Non-Finnish European, 0.0055%; no homozygotes.

Submission:

Women's Health and Genetics/Laboratory Corporation of America, LabCorp
Classification: Likely benign. Last evaluated: 2023-11-17. Review status: criteria provided, single submitter. Criteria: LabCorp Variant Classification Summary - May 2015. Collection method: clinical testing. Allele origin: germline.
Comment: Variant summary: VWF c.56-17G>A alters a non-conserved nucleotide located at a position not widely known to affect splicing. Consensus agreement among computation tools predict no significant impact on normal splicing. However, these predictions have yet to be confirmed by functional studies. The variant was absent in 247428 control chromosomes. The available data on variant occurrences in the general population are insufficient to allow any conclusion about variant significance. To our knowledge, no occurrence of c.56-17G>A in individuals affected with Von Willebrand Disease and no experimental evidence demonstrating its impact on protein function have been reported. No submitters have cited clinical-significance assessments for this variant to ClinVar after 2014. Based on the evidence outlined above, the variant was classified as likely benign.

NM_000552.5(VWF):c.56-17G>A

Gene: VWF (von Willebrand factor; minus strand). Cytogenetic location: 12p13.31.
Variant type: single nucleotide variant.
Coding change: c.56-17G>A on transcript NM_000552.5 (MANE Select); 17 bases into the intron before coding-DNA position 56, G replaced by A.
Molecular consequence: intron variant.
Genome position (GRCh38, 1-based): chr12:6,121,355, C>T on the plus strand (G>A on the coding strand, the complement: VWF is on the minus strand). VCF-style: chr12-6121355-C-T. GRCh37 (hg19) VCF-style: chr12-6230521-C-T.
Identifiers: ClinVar variation 2682598 (VCV002682598.1), dbSNP rs747514701, ClinGen allele CA232319664.
Genomic context (GRCh38, chr12:6,121,355, plus strand): 5'-GGCCGTGGATGACCTGCCGCGAGTTCCTTCTGCACAAAGGGTCCCTGGAGGGAGAGGCCA[C>T]AGGTTGGGCTGGTGATCTCAGGGCACAACTGGGACCATCAGCTCAAACCTCTCTGGCCTC-3'